The following is an entry in ClinVar:

ClinVar aggregate classification (germline): Benign/Likely benign. Review status: criteria provided, multiple submitters, no conflicts (2 of 4 stars). 6 submissions from 6 submitters: Benign (2); Likely benign (2). 2 of the submissions do not count toward it. Last evaluated 2026-01-31.

Conditions:
MED17-related disorder. Also called: MED17-related condition.
Infantile cerebral and cerebellar atrophy with postnatal progressive microcephaly (MSBA). Identifiers: Orphanet 402364, MedGen C3150921, MONDO:0013351, OMIM 613668.

Allele frequency attached by ClinVar (database versions not stated): gnomAD exomes 0.00135; ExAC 0.00161; 1000 Genomes Project 30x 0.00406; 1000 Genomes Project 0.00439; gnomAD 0.00545 and 0.00585; ESP Exome Variant Server 0.00562; TOPMed 0.00573.
gnomAD v4.1: 1,510 of 1,612,930 alleles (0.094%); highest among the groups gnomAD compares: African/African-American, 1.8%; 14 homozygotes.

Submissions (6):

Labcorp Genetics (formerly Invitae), Labcorp
Classification: Benign. Last evaluated: 2026-01-31. Review status: criteria provided, single submitter. Criteria: Invitae Variant Classification Sherloc (09022015). Collection method: clinical testing. Allele origin: germline.

Mayo Clinic Laboratories, Mayo Clinic
Classification: Benign. Last evaluated: 2024-11-26. Review status: criteria provided, single submitter. Criteria: ACMG Guidelines, 2015. Collection method: clinical testing. Allele origin: germline. Observed: 1 variant allele.
Comment: BS1, BS2, BP4, BP7

Fulgent Genetics
Classification: Likely benign for Infantile cerebral and cerebellar atrophy with postnatal progressive microcephaly. Last evaluated: 2021-10-13. Review status: criteria provided, single submitter. Criteria: ACMG Guidelines, 2015. Collection method: clinical testing. Allele origin: unknown.

GeneDx
Classification: Likely benign. Last evaluated: 2021-04-30. Review status: criteria provided, single submitter. Criteria: GeneDx Variant Classification Process June 2021. Collection method: clinical testing. Allele origin: germline. Affected: yes.

PreventionGenetics, part of Exact Sciences
Classification: Benign for MED17-related condition. Last evaluated: 2023-02-07. Review status: no assertion criteria provided. Collection method: clinical testing. Allele origin: germline. Not counted in ClinVar's aggregate classification.
Comment: This variant is classified as benign based on ACMG/AMP sequence variant interpretation guidelines (Richards et al. 2015 PMID: 25741868, with internal and published modifications).

Genetic Services Laboratory, University of Chicago
Classification: Likely benign for AllHighlyPenetrant. Review status: no assertion criteria provided. Collection method: clinical testing. Allele origin: germline. Inheritance: Autosomal recessive inheritance. Not counted in ClinVar's aggregate classification.
Comment: Likely benign based on allele frequency in 1000 Genomes Project or ESP global frequency and its presence in a patient with a rare or unrelated disease phenotype. NOT Sanger confirmed.

NM_004268.5(MED17):c.251-8C>T

Gene: MED17 (mediator complex subunit 17; plus strand). Cytogenetic location: 11q21.
Variant type: single nucleotide variant.
Coding change: c.251-8C>T on transcript NM_004268.5 (MANE Select); 8 bases into the intron before coding-DNA position 251, C replaced by T.
Molecular consequence: intron variant.
Genome position (GRCh38, 1-based): chr11:93,787,993, C>T. VCF-style: chr11-93787993-C-T. GRCh37 (hg19) VCF-style: chr11-93521159-C-T.
Other names: p.?.
Identifiers: ClinVar variation 129602 (VCV000129602.22), dbSNP rs148912294, ClinGen allele CA153682.